The following is an entry in ClinVar:

NM_000090.4(COL3A1):c.707C>G (p.Pro236Arg)

Gene: COL3A1 (collagen type III alpha 1 chain; plus strand). Cytogenetic location: 2q32.2.
Variant type: single nucleotide variant.
Coding change: c.707C>G on transcript NM_000090.4 (MANE Select); coding-DNA position 707, C replaced by G.
Protein change: p.Pro236Arg; replaces proline 236 with arginine.
Molecular consequence: missense variant.
Genome position (GRCh38, 1-based): chr2:188,990,112, C>G. VCF-style: chr2-188990112-C-G. GRCh37 (hg19) VCF-style: chr2-189854838-C-G.
Other names: short protein forms P236R.
Identifiers: ClinVar variation 1024370 (VCV001024370.9), dbSNP rs1688155159, ClinGen allele CA349848999.
Genomic context (GRCh38, chr2:188,990,112, plus strand): 5'-TTCTCATACATGAGCACCTACGTATTCTTTATTTCTCTACCTAGGGAGAATCAGGTAGAC[C>G]CGGACGACCTGGAGAGCGAGGATTGCCTGGACCTCCAGTGAGTCTTCAGCATCTAATAAA-3'
Protein context (NP_000081.2, residues 226-246): PAGKDGESGR[Pro236Arg]GRPGERGLPG

ClinVar aggregate classification (germline): Uncertain significance (1 of 4 stars; one submission).

Conditions:
Ehlers-Danlos syndrome, type 4 (EDSVASC). Also called: Ehlers-Danlos syndrome vascular type; Ehlers Danlos syndrome, ecchymotic type; Ehlers Danlos syndrome, arterial type; Ehlers Danlos syndrome, Sack-Barabas type; Ehlers-Danlos Syndrome Type IV. Identifiers: Orphanet 286, MedGen C0268338, MONDO:0017314, OMIM 130050.

Submission:

Labcorp Genetics (formerly Invitae), Labcorp
Classification: Uncertain significance for Ehlers-Danlos syndrome, type 4. Last evaluated: 2022-06-27. Review status: criteria provided, single submitter. Criteria: Invitae Variant Classification Sherloc (09022015). Collection method: clinical testing. Allele origin: germline.
Comment: In summary, the available evidence is currently insufficient to determine the role of this variant in disease. Therefore, it has been classified as a Variant of Uncertain Significance. Advanced modeling of protein sequence and biophysical properties (such as structural, functional, and spatial information, amino acid conservation, physicochemical variation, residue mobility, and thermodynamic stability) performed at Invitae indicates that this missense variant is not expected to disrupt COL3A1 protein function. ClinVar contains an entry for this variant (Variation ID: 1024370). This variant has not been reported in the literature in individuals affected with COL3A1-related conditions. This variant is not present in population databases (gnomAD no frequency). This sequence change replaces proline, which is neutral and non-polar, with arginine, which is basic and polar, at codon 236 of the COL3A1 protein (p.Pro236Arg).